The following is an entry in ClinVar:

ClinVar aggregate classification (germline): Uncertain significance (1 of 4 stars; one submission).

Conditions:
Hereditary pancreatitis (PCTT). Also called: Hereditary chronic pancreatitis; PRSS1-Related Hereditary Pancreatitis. Identifiers: Orphanet 676, MedGen C0238339, MONDO:0008185, OMIM 167800.

Submission:

Ambry Genetics
Classification: Uncertain significance for Hereditary pancreatitis. Last evaluated: 2025-11-01. Review status: criteria provided, single submitter. Criteria: Ambry Variant Classification Scheme 2023. Collection method: clinical testing. Allele origin: germline.
Comment: The p.R195K variant (also known as c.584G>A), located in coding exon 6 of the CTRC gene, results from a G to A substitution at nucleotide position 584. The arginine at codon 195 is replaced by lysine, an amino acid with highly similar properties. This amino acid position is conserved. In addition, this alteration is predicted to be tolerated by in silico analysis. Based on the available evidence, the clinical significance of this variant remains unclear.

NM_007272.3(CTRC):c.584G>A (p.Arg195Lys)

Gene: CTRC (chymotrypsin C; plus strand). Cytogenetic location: 1p36.21.
Variant type: single nucleotide variant.
Coding change: c.584G>A on transcript NM_007272.3 (MANE Select); coding-DNA position 584, G replaced by A.
Protein change: p.Arg195Lys; replaces arginine 195 with lysine.
Molecular consequence: missense variant.
Genome position (GRCh38, 1-based): chr1:15,444,696, G>A. VCF-style: chr1-15444696-G-A. GRCh37 (hg19) VCF-style: chr1-15771191-G-A.
Other names: short protein forms R195K.
Identifiers: ClinVar variation 4560213 (VCV004560213.1).